The following is an entry in ClinVar:

NM_003718.5(CDK13):c.1025G>A (p.Ser342Asn)

Gene: CDK13 (cyclin dependent kinase 13; plus strand). Cytogenetic location: 7p14.1.
Variant type: single nucleotide variant.
Coding change: c.1025G>A on transcript NM_003718.5 (MANE Select); coding-DNA position 1025, G replaced by A.
Protein change: p.Ser342Asn; replaces serine 342 with asparagine.
Molecular consequence: missense variant.
Genome position (GRCh38, 1-based): chr7:39,951,666, G>A. VCF-style: chr7-39951666-G-A. GRCh37 (hg19) VCF-style: chr7-39991265-G-A.
Other names: c.1025G>A, p.Ser342Asn (NM_031267.4); short protein forms S342N.
Identifiers: ClinVar variation 1706223 (VCV001706223.2), dbSNP rs2483676641, ClinGen allele CA367311253.

ClinVar aggregate classification (germline): Uncertain significance (1 of 4 stars; one submission).

Allele frequency attached by ClinVar (database versions not stated): gnomAD exomes below 0.00001.
gnomAD v4.1: 1 of 1,475,978 alleles (0.000068%); highest among the groups gnomAD compares: Non-Finnish European, 0.000089%; no homozygotes.

Submission:

GeneDx
Classification: Uncertain significance. Last evaluated: 2022-03-17. Review status: criteria provided, single submitter. Criteria: GeneDx Variant Classification Process June 2021. Collection method: clinical testing. Allele origin: germline. Affected: yes.
Comment: Not observed at significant frequency in large population cohorts (gnomAD); In silico analysis supports that this missense variant does not alter protein structure/function; Has not been previously published as pathogenic or benign to our knowledge